The following is an entry in ClinVar:

NM_001171.6(ABCC6):c.2917G>A (p.Asp973Asn)

Gene: ABCC6 (ATP binding cassette subfamily C member 6; minus strand). Cytogenetic location: 16p13.11.
Variant type: single nucleotide variant.
Coding change: c.2917G>A on transcript NM_001171.6 (MANE Select); coding-DNA position 2917, G replaced by A.
Protein change: p.Asp973Asn; replaces aspartic acid 973 with asparagine.
Molecular consequence: missense variant. On other transcripts: non-coding transcript variant (1).
Genome position (GRCh38, 1-based): chr16:16,169,724, C>T on the plus strand (G>A on the coding strand, the complement: ABCC6 is on the minus strand). VCF-style: chr16-16169724-C-T. GRCh37 (hg19) VCF-style: chr16-16263581-C-T.
Other names: c.2575G>A, p.Asp859Asn (NM_001351800.1); c.2917G>A (NM_001171.5); short protein forms D973N, D859N.
Identifiers: ClinVar variation 1898496 (VCV001898496.6), dbSNP rs1411389399, ClinGen allele CA394884534.

ClinVar aggregate classification (germline): Uncertain significance. Review status: criteria provided, multiple submitters, no conflicts (2 of 4 stars). 3 submissions from 3 submitters: Uncertain significance (3). Last evaluated 2026-06-24.

Conditions:
Inborn genetic diseases. Identifiers: MedGen C0950123, MeSH D030342.
Pseudoxanthoma elasticum, forme fruste. Also called: Pseudoxanthoma Elasticum, Incomplete; PSEUDOXANTHOMA ELASTICUM, HETEROZYGOUS. Identifiers: Orphanet 758, MedGen C1867450, MONDO:0008333, OMIM 177850.
Arterial calcification, generalized, of infancy, 2. Identifiers: Orphanet 51608, MedGen C3276161, MONDO:0013768, OMIM 614473.
Autosomal recessive inherited pseudoxanthoma elasticum (PXE). Identifiers: Orphanet 758, MedGen CN032334, MONDO:0009925, OMIM 264800.

Allele frequency attached by ClinVar (database versions not stated): gnomAD exomes below 0.00001; gnomAD 0.00001; TOPMed below 0.00001.
gnomAD v4.1: 7 of 1,610,148 alleles (0.00043%); highest among the groups gnomAD compares: Non-Finnish European, 0.00051%; no homozygotes.

Submissions (3):

Ambry Genetics
Classification: Uncertain significance for Inborn genetic diseases. Last evaluated: 2026-06-24. Review status: criteria provided, single submitter. Criteria: Ambry Variant Classification Scheme 2023. Collection method: clinical testing. Allele origin: germline.

Fulgent Genetics
Classification: Uncertain significance for Pseudoxanthoma elasticum, forme fruste; Autosomal recessive inherited pseudoxanthoma elasticum; Arterial calcification, generalized, of infancy, 2. Last evaluated: 2024-04-11. Review status: criteria provided, single submitter. Criteria: ACMG Guidelines, 2015. Collection method: clinical testing. Allele origin: germline.

Labcorp Genetics (formerly Invitae), Labcorp
Classification: Uncertain significance. Last evaluated: 2022-07-14. Review status: criteria provided, single submitter. Criteria: Invitae Variant Classification Sherloc (09022015). Collection method: clinical testing. Allele origin: germline.
Comment: This sequence change replaces aspartic acid, which is acidic and polar, with asparagine, which is neutral and polar, at codon 973 of the ABCC6 protein (p.Asp973Asn). This variant is not present in population databases (gnomAD no frequency). This variant has not been reported in the literature in individuals affected with ABCC6-related conditions. Advanced modeling of protein sequence and biophysical properties (such as structural, functional, and spatial information, amino acid conservation, physicochemical variation, residue mobility, and thermodynamic stability) performed at Invitae indicates that this missense variant is not expected to disrupt ABCC6 protein function. In summary, the available evidence is currently insufficient to determine the role of this variant in disease. Therefore, it has been classified as a Variant of Uncertain Significance.